The following is an entry in ClinVar:

ClinVar aggregate classification (germline): Uncertain significance (1 of 4 stars; one submission).

Allele frequency attached by ClinVar (database versions not stated): gnomAD 0.00001; TOPMed 0.00001; gnomAD exomes 0.00003; ExAC 0.00001.
gnomAD v4.1: 41 of 1,609,332 alleles (0.0025%); highest among the groups gnomAD compares: Non-Finnish European, 0.0033%; no homozygotes.

Submission:

Labcorp Genetics (formerly Invitae), Labcorp
Classification: Uncertain significance. Last evaluated: 2025-10-14. Review status: criteria provided, single submitter. Criteria: Invitae Variant Classification Sherloc (09022015). Collection method: clinical testing. Allele origin: germline.
Comment: This sequence change falls in intron 25 of the OPA1 gene. It does not directly change the encoded amino acid sequence of the OPA1 protein. This variant is present in population databases (rs774210714, gnomAD 0.002%). This variant has not been reported in the literature in individuals affected with OPA1-related conditions. ClinVar contains an entry for this variant (Variation ID: 2998020). Algorithms developed to predict the effect of sequence changes on RNA splicing suggest that this variant may disrupt the consensus splice site. In summary, the available evidence is currently insufficient to determine the role of this variant in disease. Therefore, it has been classified as a Variant of Uncertain Significance.

NM_130837.3(OPA1):c.2779-12T>C

Gene: OPA1 (OPA1 mitochondrial dynamin like GTPase; plus strand). Cytogenetic location: 3q29.
Variant type: single nucleotide variant.
Coding change: c.2779-12T>C on transcript NM_130837.3 (MANE Select); 12 bases into the intron before coding-DNA position 2779, T replaced by C.
Molecular consequence: intron variant.
Genome position (GRCh38, 1-based): chr3:193,666,284, T>C. VCF-style: chr3-193666284-T-C. GRCh37 (hg19) VCF-style: chr3-193384073-T-C.
Other names: c.2242-12T>C (NM_001354664.2); c.2245-12T>C (NM_001354663.2); c.2668-12T>C (NM_130834.3); c.2725-12T>C (NM_130836.3); c.2614-12T>C (NM_015560.3); c.2671-12T>C (NM_130835.3); c.2560-12T>C (NM_130832.3); c.2617-12T>C (NM_130833.3); and 1 more.
Identifiers: ClinVar variation 2998020 (VCV002998020.3), dbSNP rs774210714, ClinGen allele CA2759751.
Genomic context (GRCh38, chr3:193,666,284, plus strand): 5'-GTTGTATGTGTTTACGATGATAGTTTTCATTTTAACTTTGCATCTGGTAATCTTAGTTAC[T>C]TAATATTTCAGTTGGAATGCAATGATGTGGTCTTGTTTTGGCGTATACAGCGCATGCTTG-3'